The following is an entry in ClinVar:

NM_198525.3(KIF7):c.2705T>C (p.Leu902Pro)

Gene: KIF7 (kinesin family member 7; minus strand). Cytogenetic location: 15q26.1.
Variant type: single nucleotide variant.
Coding change: c.2705T>C on transcript NM_198525.3 (MANE Select); coding-DNA position 2705, T replaced by C.
Protein change: p.Leu902Pro; replaces leucine 902 with proline.
Molecular consequence: missense variant.
Genome position (GRCh38, 1-based): chr15:89,633,154, A>G on the plus strand (T>C on the coding strand, the complement: KIF7 is on the minus strand). VCF-style: chr15-89633154-A-G. GRCh37 (hg19) VCF-style: chr15-90176385-A-G.
Other names: c.2705T>C (NM_198525.2); short protein forms L902P.
Identifiers: ClinVar variation 1497320 (VCV001497320.4), dbSNP rs2142001189, ClinGen allele CA393758478.

ClinVar aggregate classification (germline): Uncertain significance. Review status: criteria provided, multiple submitters, no conflicts (2 of 4 stars). 2 submissions from 2 submitters: Uncertain significance (2). Last evaluated 2023-01-18.

Conditions:
Inborn genetic diseases. Identifiers: MedGen C0950123, MeSH D030342.
Acrocallosal syndrome (ACLS). Also called: HALLUX DUPLICATION, POSTAXIAL POLYDACTYLY, AND ABSENCE OF CORPUS CALLOSUM; Schinzel syndrome 1; Absence of corpus callosum with unusual facial appearance, mental deficiency, duplication of the halluces and polydactyly. Identifiers: Orphanet 36, MedGen C0796147, MONDO:0008708, OMIM 200990.

Submissions (2):

Ambry Genetics
Classification: Uncertain significance for Inborn genetic diseases. Last evaluated: 2023-01-18. Review status: criteria provided, single submitter. Criteria: Ambry Variant Classification Scheme 2023. Collection method: clinical testing. Allele origin: germline.

Labcorp Genetics (formerly Invitae), Labcorp
Classification: Uncertain significance for Acrocallosal syndrome. Last evaluated: 2021-09-23. Review status: criteria provided, single submitter. Criteria: Invitae Variant Classification Sherloc (09022015). Collection method: clinical testing. Allele origin: germline.
Comment: This sequence change replaces leucine with proline at codon 902 of the KIF7 protein (p.Leu902Pro). The leucine residue is highly conserved and there is a moderate physicochemical difference between leucine and proline. This variant is not present in population databases (ExAC no frequency). This variant has not been reported in the literature in individuals affected with KIF7-related conditions. Algorithms developed to predict the effect of missense changes on protein structure and function are either unavailable or do not agree on the potential impact of this missense change (SIFT: "Deleterious"; PolyPhen-2: "Possibly Damaging"; Align-GVGD: "Class C0"). In summary, the available evidence is currently insufficient to determine the role of this variant in disease. Therefore, it has been classified as a Variant of Uncertain Significance.